The following is an entry in ClinVar:

NM_006766.5(KAT6A):c.696C>G (p.Asp232Glu)

Gene: KAT6A (lysine acetyltransferase 6A; minus strand). Cytogenetic location: 8p11.21.
Variant type: single nucleotide variant.
Coding change: c.696C>G on transcript NM_006766.5 (MANE Select); coding-DNA position 696, C replaced by G.
Protein change: p.Asp232Glu; replaces aspartic acid 232 with glutamic acid.
Molecular consequence: missense variant.
Genome position (GRCh38, 1-based): chr8:41,987,468, G>C on the plus strand (C>G on the coding strand, the complement: KAT6A is on the minus strand). VCF-style: chr8-41987468-G-C. GRCh37 (hg19) VCF-style: chr8-41844986-G-C.
Other names: c.696C>G, p.Asp232Glu (NM_001305878.2); short protein forms D232E.
Identifiers: ClinVar variation 4698943 (VCV004698943.1).
Genomic context (GRCh38, chr8:41,987,468, plus strand): 5'-TGCCTTCGTAACACATTTTAGAAGAAAAACAGAAGGAAATCACATACCACTGTTGCCACA[G>C]TCGGCACAGGAGATGAGTTCCTCTGGCTTCTTTTCTCGGTTTTGTTCTTTTGTACCAAGA-3'
Protein context (NP_006757.2, residues 222-242): KKPEELISCA[Asp232Glu]CGNSGHPSCL

ClinVar aggregate classification (germline): Uncertain significance (1 of 4 stars; one submission).

gnomAD v4.1: 1 of 1,602,236 alleles (0.000062%); highest among the groups gnomAD compares: Non-Finnish European, 0.000085%; no homozygotes.

Submission:

Labcorp Genetics (formerly Invitae), Labcorp
Classification: Uncertain significance. Last evaluated: 2025-08-10. Review status: criteria provided, single submitter. Criteria: Invitae Variant Classification Sherloc (09022015). Collection method: clinical testing. Allele origin: germline.
Comment: This sequence change replaces aspartic acid, which is acidic and polar, with glutamic acid, which is acidic and polar, at codon 232 of the KAT6A protein (p.Asp232Glu). This variant is not present in population databases (gnomAD no frequency). This variant has not been reported in the literature in individuals affected with KAT6A-related conditions. Invitae Evidence Modeling of protein sequence and biophysical properties (such as structural, functional, and spatial information, amino acid conservation, physicochemical variation, residue mobility, and thermodynamic stability) indicates that this missense variant is not expected to disrupt KAT6A protein function with a negative predictive value of 95%. In summary, the available evidence is currently insufficient to determine the role of this variant in disease. Therefore, it has been classified as a Variant of Uncertain Significance.